The following is an entry in ClinVar:

ClinVar aggregate classification (germline): Uncertain significance. Review status: criteria provided, multiple submitters, no conflicts (2 of 4 stars). 4 submissions from 4 submitters: Uncertain significance (4). Last evaluated 2023-03-18.

Conditions:
Atrial fibrillation, familial, 7 (ATFB7). Identifiers: MedGen C2677106, MONDO:0012828, OMIM 612240.

Allele frequency attached by ClinVar (database versions not stated): gnomAD 0.00001 and 0.00003; TOPMed 0.00001; gnomAD exomes 0.00002 and 0.00003; ExAC 0.00005.
gnomAD v4.1: 28 of 1,613,972 alleles (0.0017%); highest among the groups gnomAD compares: South Asian, 0.018%; no homozygotes.

Submissions (4):

Department of Pathology and Laboratory Medicine, Sinai Health System
Classification: Uncertain significance for Atrial fibrillation, familial, 7. Last evaluated: 2023-03-18. Review status: criteria provided, single submitter. Criteria: ACMG Guidelines, 2015. Collection method: research. Allele origin: germline.

Fulgent Genetics
Classification: Uncertain significance for Atrial fibrillation, familial, 7. Last evaluated: 2021-07-23. Review status: criteria provided, single submitter. Criteria: ACMG Guidelines, 2015. Collection method: clinical testing. Allele origin: unknown.

Labcorp Genetics (formerly Invitae), Labcorp
Classification: Uncertain significance for Atrial fibrillation, familial, 7. Last evaluated: 2021-05-13. Review status: criteria provided, single submitter. Criteria: Invitae Variant Classification Sherloc (09022015). Collection method: clinical testing. Allele origin: germline.
Comment: This sequence change replaces arginine with serine at codon 154 of the KCNA5 protein (p.Arg154Ser). The arginine residue is moderately conserved and there is a moderate physicochemical difference between arginine and serine. This variant is present in population databases (rs756977657, ExAC 0.03%). This variant has not been reported in the literature in individuals with KCNA5-related conditions. ClinVar contains an entry for this variant (Variation ID: 499403). Algorithms developed to predict the effect of missense changes on protein structure and function are either unavailable or do not agree on the potential impact of this missense change (SIFT: "Deleterious"; PolyPhen-2: "Possibly Damaging"; Align-GVGD: "Class C0"). In summary, the available evidence is currently insufficient to determine the role of this variant in disease. Therefore, it has been classified as a Variant of Uncertain Significance.

Eurofins Ntd Llc (ga)
Classification: Uncertain significance. Last evaluated: 2017-01-16. Review status: criteria provided, single submitter. Criteria: EGL Classification Definitions 2015. Collection method: clinical testing. Allele origin: germline. Observed: 1 variant allele, 1 heterozygote.

NM_002234.4(KCNA5):c.460C>A (p.Arg154Ser)

Gene: KCNA5 (potassium voltage-gated channel subfamily A member 5; plus strand). Cytogenetic location: 12p13.32.
Variant type: single nucleotide variant.
Coding change: c.460C>A on transcript NM_002234.4 (MANE Select); coding-DNA position 460, C replaced by A.
Protein change: p.Arg154Ser; replaces arginine 154 with serine.
Molecular consequence: missense variant.
Genome position (GRCh38, 1-based): chr12:5,044,607, C>A. VCF-style: chr12-5044607-C-A. GRCh37 (hg19) VCF-style: chr12-5153773-C-A.
Other names: short protein forms R154S.
Identifiers: ClinVar variation 499403 (VCV000499403.14), dbSNP rs756977657, ClinGen allele CA6399630.
Genomic context (GRCh38, chr12:5,044,607, plus strand): 5'-CAGCTGGGCACCCTGGCGCAGTTCCCCAACACACTCCTGGGGGACCCCGCCAAGCGCCTG[C>A]GCTACTTCGACCCCCTGAGGAACGAGTACTTCTTCGACCGCAACCGGCCCAGCTTCGACG-3'
Protein context (NP_002225.2, residues 144-164): TLLGDPAKRL[Arg154Ser]YFDPLRNEYF